The following is an entry in ClinVar:

NM_001374828.1(ARID1B):c.973G>A (p.Gly325Ser)

Gene: ARID1B (AT-rich interaction domain 1B; plus strand). Cytogenetic location: 6q25.3.
Variant type: single nucleotide variant.
Coding change: c.973G>A on transcript NM_001374828.1 (MANE Select); coding-DNA position 973, G replaced by A.
Protein change: p.Gly325Ser; replaces glycine 325 with serine.
Molecular consequence: missense variant.
Genome position (GRCh38, 1-based): chr6:156,778,653, G>A. VCF-style: chr6-156778653-G-A. GRCh37 (hg19) VCF-style: chr6-157099787-G-A.
Other names: c.724G>A, p.Gly242Ser (NM_001346813.1, NM_020732.3); c.973G>A, p.Gly325Ser (NM_001371656.1, NM_001374820.1, NM_017519.3); c.550G>A, p.Gly184Ser (NM_175863.2); short protein forms G242S, G325S, G184S.
Identifiers: ClinVar variation 1947002 (VCV001947002.5), dbSNP rs1294837845, ClinGen allele CA366382643.

ClinVar aggregate classification (germline): Uncertain significance (1 of 4 stars; one submission).

Allele frequency attached by ClinVar (database versions not stated): gnomAD 0.00001.

Submission:

Labcorp Genetics (formerly Invitae), Labcorp
Classification: Uncertain significance. Last evaluated: 2022-06-20. Review status: criteria provided, single submitter. Criteria: Invitae Variant Classification Sherloc (09022015). Collection method: clinical testing. Allele origin: germline.
Comment: In summary, the available evidence is currently insufficient to determine the role of this variant in disease. Therefore, it has been classified as a Variant of Uncertain Significance. Algorithms developed to predict the effect of missense changes on protein structure and function are either unavailable or do not agree on the potential impact of this missense change (SIFT: "Deleterious"; PolyPhen-2: "Not Available"; Align-GVGD: "Class C0"). This variant has not been reported in the literature in individuals affected with ARID1B-related conditions. This variant is present in population databases (no rsID available, gnomAD 0.007%). This sequence change replaces glycine, which is neutral and non-polar, with serine, which is neutral and polar, at codon 242 of the ARID1B protein (p.Gly242Ser).